The following is an entry in ClinVar:

ClinVar aggregate classification (germline): Pathogenic (1 of 4 stars; one submission).

Allele frequency attached by ClinVar (database versions not stated): gnomAD exomes below 0.00001.
gnomAD v4.1: 1 of 1,613,966 alleles (0.000062%); highest among the groups gnomAD compares: Non-Finnish European, 0.000085%; no homozygotes.

Submission:

Labcorp Genetics (formerly Invitae), Labcorp
Classification: Pathogenic. Last evaluated: 2021-06-18. Review status: criteria provided, single submitter. Criteria: Invitae Variant Classification Sherloc (09022015). Collection method: clinical testing. Allele origin: germline.
Comment: For these reasons, this variant has been classified as Pathogenic. This nonsense change has been observed in individual(s) with abetalipoproteinemia (PMID: 19056372). This variant is not present in population databases (ExAC no frequency). This sequence change creates a premature translational stop signal (p.Trp308*) in the MTTP gene. It is expected to result in an absent or disrupted protein product. Loss-of-function variants in MTTP are known to be pathogenic (PMID: 8533758, 9671739).

Literature cited by the submitters: PubMed 19056372; PubMed 8533758; PubMed 9671739.

NM_001386140.1(MTTP):c.924G>A (p.Trp308Ter)

Gene: MTTP (microsomal triglyceride transfer protein; plus strand). Cytogenetic location: 4q23.
Variant type: single nucleotide variant.
Coding change: c.924G>A on transcript NM_001386140.1 (MANE Select); coding-DNA position 924, G replaced by A.
Protein change: p.Trp308Ter; replaces tryptophan 308 with a stop codon.
Molecular consequence: nonsense.
Genome position (GRCh38, 1-based): chr4:99,597,081, G>A. VCF-style: chr4-99597081-G-A. GRCh37 (hg19) VCF-style: chr4-100518238-G-A.
Other names: c.924G>A, p.Trp308Ter (NM_000253.4); c.675G>A, p.Trp225Ter (NM_001300785.2); short protein forms W225*, W308*.
Identifiers: ClinVar variation 1407271 (VCV001407271.8), dbSNP rs2110222141, ClinGen allele CA357506545.